The following is an entry in ClinVar:

NM_058195.4(CDKN2A):c.102G>A (p.Trp34Ter)

Gene: CDKN2A (cyclin dependent kinase inhibitor 2A; minus strand). Cytogenetic location: 9p21.3.
Variant type: single nucleotide variant.
Coding change: c.102G>A on transcript NM_058195.4 (MANE Plus Clinical); coding-DNA position 102, G replaced by A.
Protein change: p.Trp34Ter; replaces tryptophan 34 with a stop codon.
Molecular consequence: nonsense. On other transcripts: intron variant (1).
Genome position (GRCh38, 1-based): chr9:21,994,230, C>T on the plus strand (G>A on the coding strand, the complement: CDKN2A is on the minus strand). VCF-style: chr9-21994230-C-T. GRCh37 (hg19) VCF-style: chr9-21994229-C-T.
Other names: c.-4+591G>A (NM_001363763.2); short protein forms W34*.
Identifiers: ClinVar variation 870835 (VCV000870835.44), dbSNP rs1820531050, ClinGen allele CA373086943.
Genomic context (GRCh38, chr9:21,994,230, plus strand): 5'-ACGCTGGCTCCTCAGTAGCATCAGCACGAGGGCCACAGCGGCGGGCGCCCCTGGCGCTGC[C>T]CACTCCCCCGTGAGCCGCGGGATGTGAACCACGAAAACCCTCACTCGCGGCGGGCCGCAC-3'

ClinVar aggregate classification (germline): Pathogenic/Likely pathogenic. Review status: criteria provided, multiple submitters, no conflicts (2 of 4 stars). 3 submissions from 3 submitters: Pathogenic (2); Likely pathogenic (1). Last evaluated 2025-05-07.
ClinVar aggregate classification (oncogenicity): Likely oncogenic (1 of 4 stars; one submission).

Conditions:
Familial melanoma. Also called: Hereditary melanoma; Hereditary cutaneous melanoma. Identifiers: Orphanet 618, MedGen C1512419, MONDO:0018961.
Melanoma and neural system tumor syndrome. Also called: MELANOMA-ASTROCYTOMA SYNDROME. Identifiers: Orphanet 252206, MedGen C1835042, MONDO:0007967, OMIM 155755.
Neoplasm. Also called: tumor; Neoplasms; Neoplasm (disease). Identifiers: MedGen C0027651, MeSH D009369, MONDO:0005070, HP:0002664.

Submissions (4):

Institute for Genomic Medicine (IGM) Clinical Laboratory, Nationwide Children's Hospital
Classification: Pathogenic for Melanoma and neural system tumor syndrome. Last evaluated: 2025-05-07. Review status: criteria provided, single submitter. Criteria: ACMG Guidelines, 2015. Collection method: clinical testing. Allele origin: germline.
Comment: This variant is predicted to result in loss of function through nonsense-mediated decay of the encoded transcript or premature truncation of the encoded protein in a gene in which loss of function is a known mechanism of disease (ACMG/AMP: PVS1). This variant has been reported at an elevated frequency in affected individuals/in multiple affected individuals in the literature (ACMG/AMP: PS4_Supporting; PMID:25780468). This variant is absent from or present at an exceedingly low frequency in gnomAD, a large-scale control population database (ACMG/AMP: PM2).

Center for Genomic Medicine, Rigshospitalet, Copenhagen University Hospital
Classification: Likely oncogenic for Neoplasm. Last evaluated: 2025-03-04. Review status: criteria provided, single submitter. Criteria: ClinGen/CGC/VICC Guidelines for Oncogenicity, 2022. Collection method: clinical testing. Allele origin: somatic. Affected: yes.

Labcorp Genetics (formerly Invitae), Labcorp
Classification: Likely pathogenic for Familial melanoma. Last evaluated: 2021-08-02. Review status: criteria provided, single submitter. Criteria: Invitae Variant Classification Sherloc (09022015). Collection method: clinical testing. Allele origin: germline.

CeGaT Center for Human Genetics Tuebingen
Classification: Pathogenic. Last evaluated: 2019-04-01. Review status: criteria provided, single submitter. Criteria: CeGaT Center For Human Genetics Tuebingen Variant Classification Criteria Version 2. Collection method: clinical testing. Allele origin: germline. Affected: yes. Observed: 1 variant allele.

Literature cited by the submitters: PubMed 25780468 (cited by Institute for Genomic Medicine (IGM) Clinical Laboratory, Nationwide Children's Hospital); PubMed 9053859 (cited by Center for Genomic Medicine, Rigshospitalet, Copenhagen University Hospital); PubMed 8668202 (cited by Center for Genomic Medicine, Rigshospitalet, Copenhagen University Hospital).